The following is an entry in ClinVar:

ClinVar aggregate classification (germline): Uncertain significance (1 of 4 stars; one submission).

Conditions:
Autoimmune interstitial lung disease-arthritis syndrome. Also called: Autoinflammation and autoimmunity, systemic, with immune dysregulation. Identifiers: Orphanet 444092, MedGen C5975714, MONDO:0014629.

Submission:

Labcorp Genetics (formerly Invitae), Labcorp
Classification: Uncertain significance for Autoimmune interstitial lung disease-arthritis syndrome. Last evaluated: 2025-05-07. Review status: criteria provided, single submitter. Criteria: Invitae Variant Classification Sherloc (09022015). Collection method: clinical testing. Allele origin: germline.
Comment: This sequence change replaces serine, which is neutral and polar, with cysteine, which is neutral and slightly polar, at codon 253 of the COPA protein (p.Ser253Cys). This variant is not present in population databases (gnomAD no frequency). This variant has not been reported in the literature in individuals affected with COPA-related conditions. Invitae Evidence Modeling of protein sequence and biophysical properties (such as structural, functional, and spatial information, amino acid conservation, physicochemical variation, residue mobility, and thermodynamic stability) has been performed for this missense variant. However, the output from this modeling did not meet the statistical confidence thresholds required to predict the impact of this variant on COPA protein function. In summary, the available evidence is currently insufficient to determine the role of this variant in disease. Therefore, it has been classified as a Variant of Uncertain Significance.

NM_004371.4(COPA):c.758C>G (p.Ser253Cys)

Gene: COPA (coat protein complex I subunit alpha; minus strand). Cytogenetic location: 1q23.2.
Variant type: single nucleotide variant.
Coding change: c.758C>G on transcript NM_004371.4 (MANE Select); coding-DNA position 758, C replaced by G.
Protein change: p.Ser253Cys; replaces serine 253 with cysteine.
Molecular consequence: missense variant.
Genome position (GRCh38, 1-based): chr1:160,314,074, G>C on the plus strand (C>G on the coding strand, the complement: COPA is on the minus strand). VCF-style: chr1-160314074-G-C. GRCh37 (hg19) VCF-style: chr1-160283864-G-C.
Other names: c.758C>G, p.Ser253Cys (NM_001098398.2); short protein forms S253C.
Identifiers: ClinVar variation 4799268 (VCV004799268.1).